The following is an entry in ClinVar:

ClinVar aggregate classification (germline): Uncertain significance (1 of 4 stars; one submission).

Submission:

GeneDx
Classification: Uncertain significance. Last evaluated: 2022-02-23. Review status: criteria provided, single submitter. Criteria: GeneDx Variant Classification Process June 2021. Collection method: clinical testing. Allele origin: germline. Affected: yes.
Comment: Not observed at significant frequency in large population cohorts (gnomAD); In silico analysis supports that this missense variant has a deleterious effect on protein structure/function; Has not been previously published as pathogenic or benign to our knowledge

NM_001353345.2(SETD1B):c.4926G>T (p.Trp1642Cys)

Gene: SETD1B (SET domain containing 1B, histone lysine methyltransferase; plus strand). Cytogenetic location: 12q24.31.
Variant type: single nucleotide variant.
Coding change: c.4926G>T on transcript NM_001353345.2 (MANE Select); coding-DNA position 4926, G replaced by T.
Protein change: p.Trp1642Cys; replaces tryptophan 1642 with cysteine.
Molecular consequence: missense variant.
Genome position (GRCh38, 1-based): chr12:121,823,505, G>T. VCF-style: chr12-121823505-G-T. GRCh37 (hg19) VCF-style: chr12-122261411-G-T.
Other names: short protein forms W1642C.
Identifiers: ClinVar variation 1704682 (VCV001704682.2), dbSNP rs2500237704, ClinGen allele CA387000209.